The following is an entry in ClinVar:

NM_000202.8(IDS):c.880-2A>T

Genes: IDS (iduronate 2-sulfatase; minus strand), LOC106050102 (IDS recombination region; plus strand). Cytogenetic location: Xq28.
Variant type: single nucleotide variant.
Coding change: c.880-2A>T on transcript NM_000202.8 (MANE Select); the canonical splice acceptor site of the intron before coding-DNA position 880, A replaced by T.
Molecular consequence: splice acceptor variant.
Genome position (GRCh38, 1-based): chrX:149,490,442, T>A on the plus strand (A>T on the coding strand, the complement: IDS is on the minus strand). VCF-style: chrX-149490442-T-A. GRCh37 (hg19) VCF-style: chrX-148571973-T-A.
Other names: c.610-2A>T (NM_001166550.4); c.880-2A>T (NM_006123.5).
Identifiers: ClinVar variation 1709794 (VCV001709794.3), dbSNP rs2520813902, ClinGen allele CA414520571.
Genomic context (GRCh38, chrX:149,490,442, plus strand): 5'-CGGCCGACCTGTGTATCCAAATATGACACAGAGGCAAAGTAGCTCTGGCGGATTTTCCGC[T>A]GCAAATTGAAAAAAAATAAAAATGAGAGTGACTGCAATTTAAATTGCCAAGGCATACAGA-3'

ClinVar aggregate classification (germline): Pathogenic. Review status: criteria provided, multiple submitters, no conflicts (2 of 4 stars). 2 submissions from 2 submitters: Pathogenic (2). Last evaluated 2024-06-07.

Conditions:
Mucopolysaccharidosis, MPS-II (MPS2). Also called: IDS deficiency; Sulfoiduronate sulfatase deficiency; SIDS deficiency; Attenuated MPS (subtype; formerly known as mild MPS II); Severe MPS II; I2S deficiency. Identifiers: Orphanet 580, Orphanet 79388, MedGen C0026705, MONDO:0010674, OMIM 309900.

Submissions (2):

Laboratory of Diagnosis and Therapy of Lysosomal Disorders, University of Padova
Classification: Pathogenic for Mucopolysaccharidosis, MPS-II. Last evaluated: 2024-06-07. Review status: criteria provided, single submitter. Criteria: ACMG Guidelines, 2015. Collection method: literature only. Allele origin: germline. Affected: yes. Observed: 1 variant allele.
Comment: Null variant (PVS1_VeryStrong), Absent from controls (or at low frequency) in gnomAD database (PM2_Moderate), Patient’s phenotype or family history highly specific for the disease (PP4_Moderate)

Classification method: ACMG Guidelines [PMID:25741868] with modifications

MGZ Medical Genetics Center
Classification: Pathogenic for Mucopolysaccharidosis, MPS-II. Last evaluated: 2021-07-08. Review status: criteria provided, single submitter. Criteria: ACMG Guidelines, 2015. Collection method: clinical testing. Allele origin: germline. Affected: yes. Observed: 1 variant allele.
Comment: ACMG criteria applied: PVS1, PM2_SUP, PP3

Literature cited by the submitters: PubMed 31877959 (cited by Laboratory of Diagnosis and Therapy of Lysosomal Disorders, University of Padova).